The following is an entry in ClinVar:

NM_000069.3(CACNA1S):c.3610-12T>G

Gene: CACNA1S (calcium voltage-gated channel subunit alpha1 S; minus strand). Cytogenetic location: 1q32.1.
Variant type: single nucleotide variant.
Coding change: c.3610-12T>G on transcript NM_000069.3 (MANE Select); 12 bases into the intron before coding-DNA position 3610, T replaced by G.
Molecular consequence: intron variant.
Genome position (GRCh38, 1-based): chr1:201,054,573, A>C on the plus strand (T>G on the coding strand, the complement: CACNA1S is on the minus strand). VCF-style: chr1-201054573-A-C. GRCh37 (hg19) VCF-style: chr1-201023701-A-C.
Identifiers: ClinVar variation 2141478 (VCV002141478.6), dbSNP rs754526467, ClinGen allele CA36003297.
Genomic context (GRCh38, chr1:201,054,573, plus strand): 5'-CGCAGCCTCCACCCAGGCAATACAGTCCCCCGCTGGAGGCCAGGAAAGTCTGTGGAGAAA[A>C]GAGACGAAGGGAGGGGAAGGAGAGGAGAGAGAGGAGGAGGGACATGTGGGAGGGAGGTGA-3'

ClinVar aggregate classification (germline): Conflicting classifications of pathogenicity. Review status: criteria provided, conflicting classifications (1 of 4 stars). 3 submissions from 3 submitters: Uncertain significance (1); Likely benign (2). Last evaluated 2025-12-01.

Conditions:
Hypokalemic periodic paralysis, type 1. Also called: HypoPP; Hypokalemic Periodic Paralysis Type 1 (AD). Identifiers: Orphanet 681, MedGen C3714580, MONDO:0042979, OMIM 170400.
Malignant hyperthermia, susceptibility to, 5 (MHS5). Also called: CACNA1S-Related Malignant Hyperthermia Susceptibility. Identifiers: Orphanet 423, MedGen C1866077, MONDO:0011163, OMIM 601887.

Allele frequency attached by ClinVar (database versions not stated): gnomAD 0.00001; TOPMed 0.00001.

Submissions (3):

Labcorp Genetics (formerly Invitae), Labcorp
Classification: Likely benign for Hypokalemic periodic paralysis, type 1; Malignant hyperthermia, susceptibility to, 5. Last evaluated: 2025-12-01. Review status: criteria provided, single submitter. Criteria: Invitae Variant Classification Sherloc (09022015). Collection method: clinical testing. Allele origin: germline.

Color Diagnostics, LLC DBA Color Health
Classification: Likely benign for Malignant hyperthermia, susceptibility to, 5. Last evaluated: 2025-06-09. Review status: criteria provided, single submitter. Criteria: ACMG Guidelines, 2015. Collection method: clinical testing. Allele origin: germline.

All of Us Research Program, National Institutes of Health
Classification: Uncertain significance for Malignant hyperthermia, susceptibility to, 5. Last evaluated: 2023-08-15. Review status: criteria provided, single submitter. Criteria: ACMG Guidelines, 2015. Collection method: clinical testing. Allele origin: germline. Inheritance: Autosomal dominant inheritance. Observed: 4 variant alleles, 4 heterozygotes.
Comment: This variant causes a T to G nucleotide substitution at the -12 position of intron 28 of the CACNA1S gene. To our knowledge, functional studies have not been reported for this variant. This variant has not been reported in individuals affected with CACNA1S-related disorders in the literature. This variant has been identified in 2/243624 chromosomes in the general population by the Genome Aggregation Database (gnomAD). The available evidence is insufficient to determine the role of this variant in disease conclusively. Therefore, this variant is classified as a Variant of Uncertain Significance.

This study involves interpretation of variants in research participants for the purpose of population health screening. Participant phenotype was not available at the time of variant classification. Additional details can be found in publication PMID: 35346344, PMCID: PMC8962531